The following is an entry in ClinVar:

NM_017849.4(TMEM127):c.403C>A (p.Leu135Ile)

Gene: TMEM127 (transmembrane protein 127; minus strand). Cytogenetic location: 2q11.2.
Variant type: single nucleotide variant.
Coding change: c.403C>A on transcript NM_017849.4 (MANE Select); coding-DNA position 403, C replaced by A.
Protein change: p.Leu135Ile; replaces leucine 135 with isoleucine.
Molecular consequence: missense variant.
Genome position (GRCh38, 1-based): chr2:96,254,839, G>T on the plus strand (C>A on the coding strand, the complement: TMEM127 is on the minus strand). VCF-style: chr2-96254839-G-T. GRCh37 (hg19) VCF-style: chr2-96920577-G-T.
Other names: c.403C>A, p.Leu135Ile (NM_001193304.3); short protein forms L135I.
Identifiers: ClinVar variation 1398682 (VCV001398682.11), dbSNP rs751854293, ClinGen allele CA52412879.

ClinVar aggregate classification (germline): Uncertain significance. Review status: criteria provided, multiple submitters, no conflicts (2 of 4 stars). 2 submissions from 2 submitters: Uncertain significance (2). Last evaluated 2025-12-07.

Conditions:
Hereditary cancer-predisposing syndrome. Also called: Tumor predisposition; Hereditary Cancer Syndrome; Hereditary neoplastic syndrome; Neoplastic Syndromes, Hereditary. Identifiers: Orphanet 140162, MedGen C0027672, MeSH D009386, MONDO:0015356.
Hereditary pheochromocytoma and paraganglioma. Also called: Hereditary paragangliomas and pheochromocytomas; Hereditary Paraganglioma-Pheochromocytoma Syndromes; Hereditary pheochromocytoma-paraganglioma. Identifiers: Orphanet 29072, MedGen C4274332, MONDO:0017366.

Allele frequency attached by ClinVar (database versions not stated): TOPMed 0.00001.
gnomAD v4.1: 1 of 1,614,128 alleles (0.000062%); no homozygotes.

Submissions (2):

Ambry Genetics
Classification: Uncertain significance for Hereditary cancer-predisposing syndrome. Last evaluated: 2025-12-07. Review status: criteria provided, single submitter. Criteria: Ambry Variant Classification Scheme 2023. Collection method: clinical testing. Allele origin: germline.
Comment: The p.L135I variant (also known as c.403C>A), located in coding exon 2 of the TMEM127 gene, results from a C to A substitution at nucleotide position 403. The leucine at codon 135 is replaced by isoleucine, an amino acid with highly similar properties. This amino acid position is conserved. In addition, the in silico prediction for this alteration is inconclusive. Since supporting evidence is limited at this time, the clinical significance of this alteration remains unclear.

Labcorp Genetics (formerly Invitae), Labcorp
Classification: Uncertain significance for Hereditary pheochromocytoma and paraganglioma. Last evaluated: 2023-01-12. Review status: criteria provided, single submitter. Criteria: Invitae Variant Classification Sherloc (09022015). Collection method: clinical testing. Allele origin: germline.
Comment: This sequence change replaces leucine, which is neutral and non-polar, with isoleucine, which is neutral and non-polar, at codon 135 of the TMEM127 protein (p.Leu135Ile). This variant is not present in population databases (gnomAD no frequency). This variant has not been reported in the literature in individuals affected with TMEM127-related conditions. ClinVar contains an entry for this variant (Variation ID: 1398682). Algorithms developed to predict the effect of missense changes on protein structure and function are either unavailable or do not agree on the potential impact of this missense change (SIFT: "Deleterious"; PolyPhen-2: "Possibly Damaging"; Align-GVGD: "Class C0"). In summary, the available evidence is currently insufficient to determine the role of this variant in disease. Therefore, it has been classified as a Variant of Uncertain Significance.